The following is an entry in ClinVar:

ClinVar aggregate classification (germline): Uncertain significance (1 of 4 stars; one submission).

Conditions:
Early-infantile DEE. Also called: Ohtahara syndrome; Early infantile epileptic encephalopathy with suppression bursts; Early infantile epileptic encephalopathy. Identifiers: Orphanet 1934, MedGen C0393706, MONDO:0800491.

Submission:

Labcorp Genetics (formerly Invitae), Labcorp
Classification: Uncertain significance for Early-infantile DEE. Last evaluated: 2020-07-30. Review status: criteria provided, single submitter. Criteria: Invitae Variant Classification Sherloc (09022015). Collection method: clinical testing. Allele origin: germline.
Comment: This variant has not been reported in the literature in individuals with ARHGEF15-related conditions. This variant is not present in population databases (ExAC no frequency). This sequence change replaces proline with serine at codon 719 of the ARHGEF15 protein (p.Pro719Ser). The proline residue is highly conserved and there is a moderate physicochemical difference between proline and serine. Algorithms developed to predict the effect of missense changes on protein structure and function are either unavailable or do not agree on the potential impact of this missense change (SIFT: "Deleterious"; PolyPhen-2: "Benign"; Align-GVGD: "Class C65"). In summary, the available evidence is currently insufficient to determine the role of this variant in disease. Therefore, it has been classified as a Variant of Uncertain Significance.

NM_173728.4(ARHGEF15):c.2155C>T (p.Pro719Ser)

Gene: ARHGEF15 (Rho guanine nucleotide exchange factor 15; plus strand). Cytogenetic location: 17p13.1.
Variant type: single nucleotide variant.
Coding change: c.2155C>T on transcript NM_173728.4 (MANE Select); coding-DNA position 2155, C replaced by T.
Protein change: p.Pro719Ser; replaces proline 719 with serine.
Molecular consequence: missense variant.
Genome position (GRCh38, 1-based): chr17:8,319,128, C>T. VCF-style: chr17-8319128-C-T. GRCh37 (hg19) VCF-style: chr17-8222446-C-T.
Other names: c.2155C>T, p.Pro719Ser (NM_025014.2); short protein forms P719S.
Identifiers: ClinVar variation 1051694 (VCV001051694.10), dbSNP rs2151644288, ClinGen allele CA398024738.